The following is an entry in ClinVar:

NM_197968.4(ZMYM2):c.3569-11_3569-8del

Gene: ZMYM2 (zinc finger MYM-type containing 2; plus strand). Cytogenetic location: 13q12.11.
Variant type: Microsatellite.
Coding change: c.3569-11_3569-8del on transcript NM_197968.4 (MANE Select); 11 bases into the intron before coding-DNA position 3569 through 8 bases into the intron before coding-DNA position 3569, 4 bases deleted (CTCT; older notation c.3569-11_3569-8delCTCT).
Molecular consequence: intron variant.
Genome position (GRCh38, 1-based): chr13:20,082,770-20,082,773, CTCT deleted; deleting any 4 consecutive bases within chr13:20,082,767-20,082,773 gives the same sequence; the c. name uses the placement nearest the transcript's 3' end. VCF-style (leftmost placement, unchanged base first): chr13-20082766-TTCTC-T. GRCh37 (hg19) VCF-style: chr13-20656906-TTCTC-T.
Other names: c.3308-11_3308-8del (NM_001353163.2); c.3569-11_3569-8del (NM_001353157.2, NM_001353164.2, NM_001353159.2 and 4 more transcripts); c.3374-11_3374-8del (NM_001353161.3).
Identifiers: ClinVar variation 1703276 (VCV001703276.4), dbSNP rs2504624158, ClinGen allele CA2575364681.
Genomic context (GRCh38, chr13:20,082,766, plus strand): 5'-TGTGTCTGCTTCTAGATGGTTAAATGAAAACTTTTATTTATTATAATTCTTTTAAAATAG[TTCTC>T]TCTATTTAAGGGTCAATATTCTCTCGAGTTGAAGAAGACTATCTCTGGAGGATAAAACAA-3'

ClinVar aggregate classification (germline): Likely pathogenic. Review status: criteria provided, multiple submitters, no conflicts (2 of 4 stars). 2 submissions from 2 submitters: Likely pathogenic (2). Last evaluated 2026-01-27.

Submissions (2):

GeneDx
Classification: Likely pathogenic. Last evaluated: 2026-01-27. Review status: criteria provided, single submitter. Criteria: GeneDx Variant Classification Process June 2021. Collection method: clinical testing. Allele origin: germline.
Comment: Not observed at significant frequency in large population cohorts (gnomAD); In silico analysis supports a deleterious effect on splicing; Has not been previously published as pathogenic or benign to our knowledge

Dasa
Classification: Likely pathogenic. Last evaluated: 2025-10-17. Review status: criteria provided, single submitter. Criteria: DASA Assertion Criteria. Collection method: clinical testing. Allele origin: germline.
Comment: NM_197968.4(ZMYM2):c.3569-11_3569-8del is an intronic variant. This variant has been reported in individuals with ZMYM2-related disorders. Also, this variant is rare in population databases. Computational evidence supports a deleterious effect. Based on the currently available evidence, this variant is classified as likely pathogenic.